The following is an entry in ClinVar:

ClinVar aggregate classification (germline): Uncertain significance (1 of 4 stars; one submission).

gnomAD v4.1: 1 of 1,613,900 alleles (0.000062%); highest among the groups gnomAD compares: South Asian, 0.0011%; no homozygotes.

Submission:

Ambry Genetics
Classification: Uncertain significance. Last evaluated: 2026-08-10. Review status: criteria provided, single submitter. Criteria: Ambry Variant Classification Scheme 2023. Collection method: clinical testing. Allele origin: germline.
Comment: The p.E349A variant (also known as c.1046A>C), located in coding exon 8 of the RINT1 gene, results from an A to C substitution at nucleotide position 1046. The glutamic acid at codon 349 is replaced by alanine, an amino acid with dissimilar properties. This amino acid position is conserved. In addition, this alteration is predicted to be tolerated by in silico analysis. Based on the available evidence, the clinical significance of this variant remains unclear.

NM_021930.6(RINT1):c.1046A>C (p.Glu349Ala)

Gene: RINT1 (RAD50 interactor 1; plus strand). Cytogenetic location: 7q22.3.
Variant type: single nucleotide variant.
Coding change: c.1046A>C on transcript NM_021930.6 (MANE Select); coding-DNA position 1046, A replaced by C.
Protein change: p.Glu349Ala; replaces glutamic acid 349 with alanine.
Molecular consequence: missense variant. On other transcripts: non-coding transcript variant (1).
Genome position (GRCh38, 1-based): chr7:105,550,104, A>C. VCF-style: chr7-105550104-A-C. GRCh37 (hg19) VCF-style: chr7-105190551-A-C.
Other names: c.812A>C, p.Glu271Ala (NM_001346599.2); c.23A>C, p.Glu8Ala (NM_001346600.2, NM_001346603.2); c.122A>C, p.Glu41Ala (NM_001346601.2); short protein forms E271A, E8A, E349A, E41A.
Identifiers: ClinVar variation 5028292 (VCV005028292.1).
Genomic context (GRCh38, chr7:105,550,104, plus strand): 5'-TCCTTCCTTAGCCAGAATGGTACTTGGCTCAAGTACTTATGTGGATTGGAAACCATACTG[A>C]ATTTCTGGATGAGAAGATTCAGCCAATATTAGACAAAGTAGGCTCTTTGGTAAACGCAAG-3'
Protein context (NP_068749.3, residues 339-359): QVLMWIGNHT[Glu349Ala]FLDEKIQPIL